The following is an entry in ClinVar:

ClinVar aggregate classification (germline): Pathogenic/Likely pathogenic. Review status: criteria provided, multiple submitters, no conflicts (2 of 4 stars). 2 submissions from 2 submitters: Pathogenic (1); Likely pathogenic (1). Last evaluated 2026-06-08.

Conditions:
Early-infantile DEE. Also called: Early infantile epileptic encephalopathy; Ohtahara syndrome; Early infantile epileptic encephalopathy with suppression bursts. Identifiers: Orphanet 1934, MedGen C0393706, MONDO:0800491.

Submissions (8):

GeneDx
Classification: Likely pathogenic. Last evaluated: 2026-06-08. Review status: criteria provided, single submitter. Criteria: GeneDx Variant Classification Process June 2021. Collection method: clinical testing. Allele origin: germline.
Comment: Not observed at significant frequency in large population cohorts (gnomAD); In silico analysis supports that this missense variant has a deleterious effect on protein structure/function; This variant is associated with the following publications: (PMID: 27602407, 35104249, 40724807)

Labcorp Genetics (formerly Invitae), Labcorp
Classification: Pathogenic for Early-infantile DEE. Last evaluated: 2025-02-19. Review status: criteria provided, single submitter. Criteria: Invitae Variant Classification Sherloc (09022015). Collection method: clinical testing. Allele origin: germline.
Comment: This sequence change replaces alanine, which is neutral and non-polar, with aspartic acid, which is acidic and polar, at codon 193 of the KCNQ2 protein (p.Ala193Asp). This variant is not present in population databases (gnomAD no frequency). This missense change has been observed in individual(s) with KCNQ2-related conditions (PMID: 27602407). In at least one individual the variant was observed to be de novo. ClinVar contains an entry for this variant (Variation ID: 205865). Invitae Evidence Modeling of protein sequence and biophysical properties (such as structural, functional, and spatial information, amino acid conservation, physicochemical variation, residue mobility, and thermodynamic stability) indicates that this missense variant is expected to disrupt KCNQ2 protein function with a positive predictive value of 95%. This variant disrupts the p.Ala193 amino acid residue in KCNQ2. Other variant(s) that disrupt this residue have been determined to be pathogenic (internal data). This suggests that this residue is clinically significant, and that variants that disrupt this residue are likely to be disease-causing. For these reasons, this variant has been classified as Pathogenic.

Channelopathy-Associated Epilepsy Research Center
No classification provided (evidence only). Condition: Complex neurodevelopmental disorder. Review status: no classification provided. Collection method: literature only. Allele origin: not applicable. Functional consequence: Severe decrease in peak current, Severe slowing of activation, Severe hyperpolarizing shift of voltage dependence of activation. Not counted in ClinVar's aggregate classification.
ClinVar note: "not provided" was previously submitted as the classification for the variant. However, the classification appeared to be based only on an observation of functional data so it was converted to no classification on 2025-07-30.

Channelopathy-Associated Epilepsy Research Center
No classification provided (evidence only). Review status: no classification provided. Collection method: in vitro. Allele origin: not applicable. Functional consequence: Normal peak current. Not counted in ClinVar's aggregate classification.

Channelopathy-Associated Epilepsy Research Center
No classification provided (evidence only). Review status: no classification provided. Collection method: in vitro. Allele origin: not applicable. Functional consequence: Normal peak current. Not counted in ClinVar's aggregate classification.

Channelopathy-Associated Epilepsy Research Center
No classification provided (evidence only). Review status: no classification provided. Collection method: in vitro. Allele origin: not applicable. Functional consequence: Hyperpolarizing shift of voltage dependence of activation. Not counted in ClinVar's aggregate classification.

Channelopathy-Associated Epilepsy Research Center
No classification provided (evidence only). Review status: no classification provided. Collection method: in vitro. Allele origin: not applicable. Functional consequence: Increase in slope of activation. Not counted in ClinVar's aggregate classification.

Channelopathy-Associated Epilepsy Research Center
No classification provided (evidence only). Review status: no classification provided. Collection method: in vitro. Allele origin: not applicable. Functional consequence: Slowing of activation. Not counted in ClinVar's aggregate classification.

Literature cited by the submitters: PubMed 27602407 (cited by Labcorp Genetics (formerly Invitae), Labcorp); PubMed 35104249 (cited by Channelopathy-Associated Epilepsy Research Center).

NM_172107.4(KCNQ2):c.578C>A (p.Ala193Asp)

Gene: KCNQ2 (potassium voltage-gated channel subfamily Q member 2; minus strand). Cytogenetic location: 20q13.33.
Variant type: single nucleotide variant.
Coding change: c.578C>A on transcript NM_172107.4 (MANE Select); coding-DNA position 578, C replaced by A.
Protein change: p.Ala193Asp; replaces alanine 193 with aspartic acid.
Molecular consequence: missense variant.
Genome position (GRCh38, 1-based): chr20:63,444,771, G>T on the plus strand (C>A on the coding strand, the complement: KCNQ2 is on the minus strand). VCF-style: chr20-63444771-G-T. GRCh37 (hg19) VCF-style: chr20-62076124-G-T.
Other names: p.A193D:GCC>GAC; c.578C>A, p.Ala193Asp (NM_172109.3, NM_172108.5, NM_172106.3 and 1 more transcripts); short protein forms A193D.
Identifiers: ClinVar variation 205865 (VCV000205865.7), dbSNP rs796052619, ClinGen allele CA315357.